The following is an entry in ClinVar:

NM_006892.4(DNMT3B):c.1630G>A (p.Val544Met)

Genes: DNMT3B (DNA methyltransferase 3 beta; plus strand), LOC126863014 (CDK7 strongly-dependent group 2 enhancer GRCh37_chr20:31385992-31387191; plus strand). Cytogenetic location: 20q11.21.
Variant type: single nucleotide variant.
Coding change: c.1630G>A on transcript NM_006892.4 (MANE Select); coding-DNA position 1630, G replaced by A.
Protein change: p.Val544Met; replaces valine 544 with methionine.
Molecular consequence: missense variant.
Genome position (GRCh38, 1-based): chr20:32,798,599, G>A. VCF-style: chr20-32798599-G-A. GRCh37 (hg19) VCF-style: chr20-31386405-G-A.
Other names: c.1444G>A, p.Val482Met (NM_001207055.2); c.1342G>A, p.Val448Met (NM_001207056.2); c.1570G>A, p.Val524Met (NM_175848.2, NM_175849.2); c.1606G>A, p.Val536Met (NM_175850.3); short protein forms V482M, V524M, V536M, V544M, V448M.
Identifiers: ClinVar variation 895944 (VCV000895944.6), dbSNP rs775688885, ClinGen allele CA9810650.

ClinVar aggregate classification (germline): Uncertain significance. Review status: criteria provided, multiple submitters, no conflicts (2 of 4 stars). 2 submissions from 2 submitters: Uncertain significance (2). Last evaluated 2023-11-17.

Conditions:
Immunodeficiency-centromeric instability-facial anomalies syndrome 1 (ICF1). Identifiers: Orphanet 2268, MedGen C4551557, MONDO:0009454, OMIM 242860.
Centromeric instability of chromosomes 1,9 and 16 and immunodeficiency (ICF1). Also called: Immunodeficiency-centromeric instability-facial anomalies; IMMUNE DEFICIENCY, VARIABLE, WITH CENTROMERIC INSTABILITY OF CHROMOSOMES 1, 9, AND 16; IMMUNODEFICIENCY SYNDROME, VARIABLE; CENTROMERIC INSTABILITY, IMMUNODEFICIENCY SYNDROME. Identifiers: Orphanet 2268, MedGen C0398788, MONDO:0000133.

Allele frequency attached by ClinVar (database versions not stated): gnomAD exomes 0.00001 and 0.00003; TOPMed 0.00001; ExAC 0.00002.
gnomAD v4.1: 17 of 1,614,086 alleles (0.0011%); highest among the groups gnomAD compares: Middle Eastern, 0.033%; no homozygotes.

Submissions (2):

Labcorp Genetics (formerly Invitae), Labcorp
Classification: Uncertain significance for Centromeric instability of chromosomes 1,9 and 16 and immunodeficiency. Last evaluated: 2023-11-17. Review status: criteria provided, single submitter. Criteria: Invitae Variant Classification Sherloc (09022015). Collection method: clinical testing. Allele origin: germline.
Comment: This sequence change replaces valine, which is neutral and non-polar, with methionine, which is neutral and non-polar, at codon 544 of the DNMT3B protein (p.Val544Met). This variant is present in population databases (rs775688885, gnomAD 0.01%). This variant has not been reported in the literature in individuals affected with DNMT3B-related conditions. ClinVar contains an entry for this variant (Variation ID: 895944). Advanced modeling of protein sequence and biophysical properties (such as structural, functional, and spatial information, amino acid conservation, physicochemical variation, residue mobility, and thermodynamic stability) performed at Invitae indicates that this missense variant is not expected to disrupt DNMT3B protein function with a negative predictive value of 80%. In summary, the available evidence is currently insufficient to determine the role of this variant in disease. Therefore, it has been classified as a Variant of Uncertain Significance.

Illumina Laboratory Services, Illumina
Classification: Uncertain significance for Immunodeficiency-centromeric instability-facial anomalies syndrome 1. Last evaluated: 2018-01-13. Review status: criteria provided, single submitter. Criteria: ICSL Variant Classification Criteria 13 December 2019. Collection method: clinical testing. Allele origin: germline.